The following is an entry in ClinVar:

ClinVar aggregate classification (germline): Uncertain significance (1 of 4 stars; one submission).

Conditions:
PGM1-congenital disorder of glycosylation. Also called: PHOSPHOGLUCOMUTASE 1 DEFICIENCY; PGM1 DEFICIENCY; GLYCOGEN STORAGE DISEASE XIV; GSD XIV; Congenital disorder of glycosylation type 1t; CDG It. Identifiers: Orphanet 319646, MedGen C2752015, MONDO:0013968, OMIM 614921.

Submission:

Labcorp Genetics (formerly Invitae), Labcorp
Classification: Uncertain significance for PGM1-congenital disorder of glycosylation. Last evaluated: 2021-12-08. Review status: criteria provided, single submitter. Criteria: Invitae Variant Classification Sherloc (09022015). Collection method: clinical testing. Allele origin: germline.
Comment: This sequence change falls in intron 10 of the PGM1 gene. It does not directly change the encoded amino acid sequence of the PGM1 protein. It affects a nucleotide within the consensus splice site. This variant is present in population databases (rs141133249, gnomAD 0.003%). This variant has not been reported in the literature in individuals affected with PGM1-related conditions. Variants that disrupt the consensus splice site are a relatively common cause of aberrant splicing (PMID: 17576681, 9536098). Algorithms developed to predict the effect of sequence changes on RNA splicing suggest that this variant may disrupt the consensus splice site. In summary, the available evidence is currently insufficient to determine the role of this variant in disease. Therefore, it has been classified as a Variant of Uncertain Significance.

Literature cited by the submitters: PubMed 17576681; PubMed 9536098.

NM_002633.3(PGM1):c.1599+6G>A

Gene: PGM1 (phosphoglucomutase 1; plus strand). Cytogenetic location: 1p31.3.
Variant type: single nucleotide variant.
Coding change: c.1599+6G>A on transcript NM_002633.3 (MANE Select); 6 bases into the intron after coding-DNA position 1599, G replaced by A.
Molecular consequence: intron variant.
Genome position (GRCh38, 1-based): chr1:63,654,472, G>A. VCF-style: chr1-63654472-G-A. GRCh37 (hg19) VCF-style: chr1-64120143-G-A.
Other names: c.1008+6G>A (NM_001172819.2); c.1653+6G>A (NM_001172818.1).
Identifiers: ClinVar variation 1963633 (VCV001963633.2), dbSNP rs141133249, ClinGen allele CA889909.
Genomic context (GRCh38, chr1:63,654,472, plus strand): 5'-GCTGTACATCGATAGCTATGAGAAGGACGTTGCCAAGATTAACCAGGACCCCCAGGTAAC[G>A]CCCAGCCCTGTGCCCTGGTTAGTTCTTTCTGTTCAAGGGAATGATAGTTTCCCATTGAGC-3'